The following is an entry in ClinVar:

ClinVar aggregate classification (germline): Uncertain significance (1 of 4 stars; one submission).

Submission:

CeGaT Center for Human Genetics Tuebingen
Classification: Uncertain significance. Last evaluated: 2023-09-01. Review status: criteria provided, single submitter. Criteria: CeGaT Center For Human Genetics Tuebingen Variant Classification Criteria Version 2. Collection method: clinical testing. Allele origin: germline. Affected: yes. Observed: 1 variant allele.
Comment: SRPRA: PM1, PM2, PP3

NM_003139.4(SRPRA):c.1372C>G (p.Arg458Gly)

Gene: SRPRA (SRP receptor subunit alpha; minus strand). Cytogenetic location: 11q24.2.
Variant type: single nucleotide variant.
Coding change: c.1372C>G on transcript NM_003139.4 (MANE Select); coding-DNA position 1372, C replaced by G.
Protein change: p.Arg458Gly; replaces arginine 458 with glycine.
Molecular consequence: missense variant.
Genome position (GRCh38, 1-based): chr11:126,265,112, G>C on the plus strand (C>G on the coding strand, the complement: SRPRA is on the minus strand). VCF-style: chr11-126265112-G-C. GRCh37 (hg19) VCF-style: chr11-126135007-G-C.
Other names: c.1288C>G, p.Arg430Gly (NM_001177842.2); short protein forms R430G, R458G.
Identifiers: ClinVar variation 2642523 (VCV002642523.24), dbSNP rs760553374, ClinGen allele CA383223894.